The following is an entry in ClinVar:

ClinVar aggregate classification (germline): Uncertain significance (1 of 4 stars; one submission).

Conditions:
Emery-Dreifuss muscular dystrophy 5, autosomal dominant (EDMD5). Also called: EMERY-DREIFUSS MUSCULAR DYSTROPHY 5. Identifiers: Orphanet 261, MedGen C2751805, MONDO:0013072, OMIM 612999.

Allele frequency attached by ClinVar (database versions not stated): TOPMed below 0.00001; ExAC 0.00001; gnomAD 0.00001; ESP Exome Variant Server 0.00008.
gnomAD v4.1: 1 of 1,613,818 alleles (0.000062%); highest among the groups gnomAD compares: African/African-American, 0.0013%; no homozygotes.

Submission:

Labcorp Genetics (formerly Invitae), Labcorp
Classification: Uncertain significance for Emery-Dreifuss muscular dystrophy 5, autosomal dominant. Last evaluated: 2025-04-14. Review status: criteria provided, single submitter. Criteria: Invitae Variant Classification Sherloc (09022015). Collection method: clinical testing. Allele origin: germline.
Comment: This sequence change replaces lysine, which is basic and polar, with asparagine, which is neutral and polar, at codon 3645 of the SYNE2 protein (p.Lys3645Asn). This variant is present in population databases (rs371529908, gnomAD 0.007%). This variant has not been reported in the literature in individuals affected with SYNE2-related conditions. ClinVar contains an entry for this variant (Variation ID: 2865902). An algorithm developed to predict the effect of missense changes on protein structure and function (PolyPhen-2) suggests that this variant is likely to be disruptive. In summary, the available evidence is currently insufficient to determine the role of this variant in disease. Therefore, it has been classified as a Variant of Uncertain Significance.

NM_182914.3(SYNE2):c.10935G>C (p.Lys3645Asn)

Gene: SYNE2 (spectrin repeat containing nuclear envelope protein 2; plus strand). Cytogenetic location: 14q23.2.
Variant type: single nucleotide variant.
Coding change: c.10935G>C on transcript NM_182914.3 (MANE Select); coding-DNA position 10935, G replaced by C.
Protein change: p.Lys3645Asn; replaces lysine 3645 with asparagine.
Molecular consequence: missense variant.
Genome position (GRCh38, 1-based): chr14:64,076,013, G>C. VCF-style: chr14-64076013-G-C. GRCh37 (hg19) VCF-style: chr14-64542731-G-C.
Other names: c.10935G>C, p.Lys3645Asn (NM_015180.6); short protein forms K3645N.
Identifiers: ClinVar variation 2865902 (VCV002865902.3), dbSNP rs371529908, ClinGen allele CA7221653.